The following is an entry in ClinVar:

NM_007315.4(STAT1):c.1725T>C (p.Asp575=)

Gene: STAT1 (signal transducer and activator of transcription 1; minus strand). Cytogenetic location: 2q32.2.
Variant type: single nucleotide variant.
Coding change: c.1725T>C on transcript NM_007315.4 (MANE Select); coding-DNA position 1725, T replaced by C.
Protein change: p.Asp575=; no amino-acid change (aspartic acid 575 retained).
Molecular consequence: synonymous variant.
Genome position (GRCh38, 1-based): chr2:190,979,774, A>G on the plus strand (T>C on the coding strand, the complement: STAT1 is on the minus strand). VCF-style: chr2-190979774-A-G. GRCh37 (hg19) VCF-style: chr2-191844500-A-G.
Other names: p.Asp575=; c.1665T>C, p.Asp555= (NM_001384880.1); c.1731T>C, p.Asp577= (NM_001384881.1, NM_001384884.1); c.1719T>C, p.Asp573= (NM_001384882.1); c.1626T>C, p.Asp542= (NM_001384883.1); c.1566T>C, p.Asp522= (NM_001384885.1); c.1725T>C, p.Asp575= (NM_001384886.1, NM_001384889.1, NM_001437284.1 and 1 more transcripts); c.1632T>C, p.Asp544= (NM_001384887.1); and 3 more.
Identifiers: ClinVar variation 4684630 (VCV004684630.1).

ClinVar aggregate classification (germline): Likely benign (1 of 4 stars; one submission).

Submission:

Mayo Clinic Laboratories, Mayo Clinic
Classification: Likely benign. Last evaluated: 2024-10-12. Review status: criteria provided, single submitter. Criteria: ACMG Guidelines, 2015. Collection method: clinical testing. Allele origin: germline. Observed: 1 variant allele.
Comment: BP4, BP7